The following is an entry in ClinVar:

ClinVar aggregate classification (germline): Uncertain significance (1 of 4 stars; one submission).

Submission:

Labcorp Genetics (formerly Invitae), Labcorp
Classification: Uncertain significance. Last evaluated: 2024-07-06. Review status: criteria provided, single submitter. Criteria: Invitae Variant Classification Sherloc (09022015). Collection method: clinical testing. Allele origin: germline.
Comment: This sequence change replaces valine, which is neutral and non-polar, with isoleucine, which is neutral and non-polar, at codon 580 of the SIN3A protein (p.Val580Ile). This variant is not present in population databases (gnomAD no frequency). This variant has not been reported in the literature in individuals affected with SIN3A-related conditions. An algorithm developed to predict the effect of missense changes on protein structure and function (PolyPhen-2) suggests that this variant is likely to be disruptive. Algorithms developed to predict the effect of sequence changes on RNA splicing suggest that this variant may disrupt the consensus splice site. In summary, the available evidence is currently insufficient to determine the role of this variant in disease. Therefore, it has been classified as a Variant of Uncertain Significance.

NM_001145358.2(SIN3A):c.1738G>A (p.Val580Ile)

Gene: SIN3A (SIN3 transcription regulator family member A; minus strand). Cytogenetic location: 15q24.2.
Variant type: single nucleotide variant.
Coding change: c.1738G>A on transcript NM_001145358.2 (MANE Select); coding-DNA position 1738, G replaced by A.
Protein change: p.Val580Ile; replaces valine 580 with isoleucine.
Molecular consequence: missense variant.
Genome position (GRCh38, 1-based): chr15:75,400,156, C>T on the plus strand (G>A on the coding strand, the complement: SIN3A is on the minus strand). VCF-style: chr15-75400156-C-T. GRCh37 (hg19) VCF-style: chr15-75692497-C-T.
Other names: c.1738G>A, p.Val580Ile (NM_001145357.2, NM_015477.3); short protein forms V580I.
Identifiers: ClinVar variation 3658871 (VCV003658871.2).